The following is an entry in ClinVar:

ClinVar aggregate classification (germline): Uncertain significance (1 of 4 stars; one submission).

Conditions:
Von Hippel-Lindau syndrome (VHLS). Also called: Von Hippel-Lindau; von Hippel–Lindau syndrome; VHL syndrome. Identifiers: Orphanet 892, MedGen C0019562, MONDO:0008667, OMIM 193300. Disease mechanism: loss of function.
Chuvash polycythemia. Also called: POLYCYTHEMIA, VHL-DEPENDENT. Identifiers: Orphanet 238557, MedGen C1837915, MONDO:0009892, OMIM 263400.

Allele frequency attached by ClinVar (database versions not stated): 1000 Genomes Project 30x 0.00016.

Submission:

Labcorp Genetics (formerly Invitae), Labcorp
Classification: Uncertain significance for Von Hippel-Lindau syndrome; Chuvash polycythemia. Last evaluated: 2025-08-21. Review status: criteria provided, single submitter. Criteria: Invitae Variant Classification Sherloc (09022015). Collection method: clinical testing. Allele origin: germline.
Comment: This sequence change falls in intron 1 of the VHL gene. It is not expected to change the encoded amino acid sequence of the VHL protein. However, this sequence change falls within a cryptic exon in the VHL gene, known as exon E1’, which is naturally expressed at low levels in several human tissues (PMID: 29891534). This variant is not present in population databases (gnomAD no frequency). This variant has not been reported in the literature in individuals affected with VHL-related conditions. ClinVar contains an entry for this variant (Variation ID: 1020465). Experimental studies and prediction algorithms are not available or were not evaluated, and the functional significance of this variant is currently unknown. Algorithms developed to predict the effect of sequence changes on RNA splicing suggest that this variant is not likely to affect RNA splicing. In summary, the available evidence is currently insufficient to determine the role of this variant in disease. Therefore, it has been classified as a Variant of Uncertain Significance.

Literature cited by the submitters: PubMed 29891534.

NM_000551.4(VHL):c.340+828A>T

Genes: VHL (von Hippel-Lindau tumor suppressor; plus strand), LOC107303340 (3p25 von Hippel-Lindau tumor suppressor, E3 ubiquitin protein ligase Alu-mediated recombination region; plus strand). Cytogenetic location: 3p25.3.
Variant type: single nucleotide variant.
Coding change: c.340+828A>T on transcript NM_000551.4 (MANE Select); 828 bases into the intron after coding-DNA position 340, A replaced by T.
Molecular consequence: intron variant. On other transcripts: 3 prime UTR variant (1).
Genome position (GRCh38, 1-based): chr3:10,143,015, A>T. VCF-style: chr3-10143015-A-T. GRCh37 (hg19) VCF-style: chr3-10184699-A-T.
Other names: c.*11A>T (NM_001354723.2); c.340+828A>T (NM_198156.3).
Identifiers: ClinVar variation 1020465 (VCV001020465.9), dbSNP rs570619659, ClinGen allele CA1345067642.
Genomic context (GRCh38, chr3:10,143,015, plus strand): 5'-TTTCAGTTAAGGAGCACTTCCCGGAGAAGGAAGAGAGCAGGATGGAGTAGGAACTAGCCA[A>T]CCCTAGGTAAGAGGTTCTAGACATGCGTGCGTTGAGACCTGGAGTCTTGGGAGAGGATGC-3'